The following is an entry in ClinVar:

NM_000122.2(ERCC3):c.386T>C (p.Val129Ala)

Gene: ERCC3 (ERCC excision repair 3, TFIIH core complex helicase subunit; minus strand). Cytogenetic location: 2q14.3.
Variant type: single nucleotide variant.
Coding change: c.386T>C on transcript NM_000122.2 (MANE Select); coding-DNA position 386, T replaced by C.
Protein change: p.Val129Ala; replaces valine 129 with alanine.
Molecular consequence: missense variant.
Genome position (GRCh38, 1-based): chr2:127,292,695, A>G on the plus strand (T>C on the coding strand, the complement: ERCC3 is on the minus strand). VCF-style: chr2-127292695-A-G. GRCh37 (hg19) VCF-style: chr2-128050271-A-G.
Other names: c.194T>C, p.Val65Ala (NM_001303416.2, NM_001303418.2); short protein forms V129A, V65A.
Identifiers: ClinVar variation 1692166 (VCV001692166.1), dbSNP rs1315300796, ClinGen allele CA348391640.

ClinVar aggregate classification (germline): Uncertain significance (1 of 4 stars; one submission).

Conditions:
Xeroderma pigmentosum (XP). Identifiers: Orphanet 910, MedGen C0043346, MONDO:0019600.

Allele frequency attached by ClinVar (database versions not stated): TOPMed 0.00001.

Submission:

Sema4
Classification: Uncertain significance for Xeroderma pigmentosum. Last evaluated: 2021-09-23. Review status: criteria provided, single submitter. Criteria: Sema4 Curation Guidelines. Collection method: curation. Allele origin: germline.
Comment: The ERCC3 c.386T>C (p.V129A) variant has not been reported in the literature to our knowledge. It was not observed in the large and broad cohorts of the Genome Aggregation Database and has not been reported in ClinVar. Functional studies have not been performed, and in silico predictions of the variant's effect on protein function are inconclusive. The evidence is insufficient to meet ACMG/AMP criteria for classifying the variant as benign or pathogenic. Thus, the clinical significance of this variant is currently uncertain.